The following is an entry in ClinVar:

ClinVar aggregate classification (germline): Uncertain significance (1 of 4 stars; one submission).

Allele frequency attached by ClinVar (database versions not stated): gnomAD exomes below 0.00001; TOPMed below 0.00001.
gnomAD v4.1: 1 of 1,613,310 alleles (0.000062%); highest among the groups gnomAD compares: Admixed American, 0.0017%; no homozygotes.

Submission:

Labcorp Genetics (formerly Invitae), Labcorp
Classification: Uncertain significance. Last evaluated: 2024-02-07. Review status: criteria provided, single submitter. Criteria: Invitae Variant Classification Sherloc (09022015). Collection method: clinical testing. Allele origin: germline.
Comment: This sequence change replaces cysteine, which is neutral and slightly polar, with phenylalanine, which is neutral and non-polar, at codon 211 of the KMT2B protein (p.Cys211Phe). This variant is not present in population databases (gnomAD no frequency). This variant has not been reported in the literature in individuals affected with KMT2B-related conditions. Advanced modeling of protein sequence and biophysical properties (such as structural, functional, and spatial information, amino acid conservation, physicochemical variation, residue mobility, and thermodynamic stability) performed at Invitae indicates that this missense variant is not expected to disrupt KMT2B protein function with a negative predictive value of 95%. In summary, the available evidence is currently insufficient to determine the role of this variant in disease. Therefore, it has been classified as a Variant of Uncertain Significance.

NM_014727.3(KMT2B):c.632G>T (p.Cys211Phe)

Gene: KMT2B (lysine methyltransferase 2B; plus strand). Cytogenetic location: 19q13.12.
Variant type: single nucleotide variant.
Coding change: c.632G>T on transcript NM_014727.3 (MANE Select); coding-DNA position 632, G replaced by T.
Protein change: p.Cys211Phe; replaces cysteine 211 with phenylalanine.
Molecular consequence: missense variant.
Genome position (GRCh38, 1-based): chr19:35,719,979, G>T. VCF-style: chr19-35719979-G-T. GRCh37 (hg19) VCF-style: chr19-36210881-G-T.
Other names: short protein forms C211F.
Identifiers: ClinVar variation 2810765 (VCV002810765.3), dbSNP rs1969116775, ClinGen allele CA405379751.